The following is an entry in ClinVar:

ClinVar aggregate classification (germline): Likely pathogenic. Review status: criteria provided, multiple submitters, no conflicts (2 of 4 stars). 2 submissions from 2 submitters: Likely pathogenic (2). Last evaluated 2024-07-30.

Conditions:
Spongy degeneration of central nervous system. Also called: ACY2 DEFICIENCY; AMINOACYLASE 2 DEFICIENCY; ASP DEFICIENCY; ASPA DEFICIENCY; ASPARTOACYLASE DEFICIENCY; CANAVAN-VAN BOGAERT-BERTRAND DISEASE. Identifiers: Orphanet 141, MedGen C0206307, MONDO:0010079, OMIM 271900.
ASPA-related disorder. Also called: ASPA-related condition.

gnomAD v4.1: 1 of 1,588,058 alleles (0.000063%); highest among the groups gnomAD compares: Non-Finnish European, 0.000086%; no homozygotes.

Submissions (2):

Blueprint Genetics
Classification: Likely pathogenic for ASPA-related disorders. Last evaluated: 2024-07-30. Review status: criteria provided, single submitter. Criteria: ACMG Guidelines, 2015. Collection method: clinical testing. Allele origin: germline. Affected: yes. Observed: 2 variant alleles.

Labcorp Genetics (formerly Invitae), Labcorp
Classification: Likely pathogenic for Spongy degeneration of central nervous system. Last evaluated: 2022-03-08. Review status: criteria provided, single submitter. Criteria: Invitae Variant Classification Sherloc (09022015). Collection method: clinical testing. Allele origin: germline.
Comment: In summary, the currently available evidence indicates that the variant is pathogenic, but additional data are needed to prove that conclusively. Therefore, this variant has been classified as Likely Pathogenic. Algorithms developed to predict the effect of sequence changes on RNA splicing suggest that this variant may disrupt the consensus splice site. This variant has not been reported in the literature in individuals affected with ASPA-related conditions. This variant is not present in population databases (gnomAD no frequency). This sequence change affects an acceptor splice site in intron 3 of the ASPA gene. It is expected to disrupt RNA splicing. Variants that disrupt the donor or acceptor splice site typically lead to a loss of protein function (PMID: 16199547), and loss-of-function variants in ASPA are known to be pathogenic (PMID: 12638939).

Literature cited by the submitters: PubMed 16199547 (cited by Labcorp Genetics (formerly Invitae), Labcorp); PubMed 12638939 (cited by Labcorp Genetics (formerly Invitae), Labcorp).

NM_000049.4(ASPA):c.527-1G>A

Genes: SPATA22 (spermatogenesis associated 22; minus strand), ASPA (aspartoacylase; plus strand). Cytogenetic location: 17p13.2.
Variant type: single nucleotide variant.
Coding change: c.527-1G>A on transcript NM_000049.4 (MANE Select); the canonical splice acceptor site of the intron before coding-DNA position 527, G replaced by A.
Molecular consequence: splice acceptor variant. On other transcripts: intron variant (2).
Genome position (GRCh38, 1-based): chr17:3,489,234, G>A. VCF-style: chr17-3489234-G-A. GRCh37 (hg19) VCF-style: chr17-3392528-G-A.
Other names: c.-73-19836C>T (NM_001321336.2, NM_001321337.2); c.527-1G>A (NM_001128085.1).
Identifiers: ClinVar variation 2107642 (VCV002107642.6), dbSNP rs2543636035, ClinGen allele CA397684419.